The following is an entry in ClinVar:

NM_001042492.3(NF1):c.4578-1G>A

Gene: NF1 (neurofibromin 1; plus strand). Cytogenetic location: 17q11.2.
Variant type: single nucleotide variant.
Coding change: c.4578-1G>A on transcript NM_001042492.3 (MANE Select); the canonical splice acceptor site of the intron before coding-DNA position 4578, G replaced by A.
Molecular consequence: splice acceptor variant.
Genome position (GRCh38, 1-based): chr17:31,261,710, G>A. VCF-style: chr17-31261710-G-A. GRCh37 (hg19) VCF-style: chr17-29588728-G-A.
Other names: c.4515-1G>A (NM_000267.4).
Identifiers: ClinVar variation 948667 (VCV000948667.9), dbSNP rs1555618999, ClinGen allele CA399000077.

ClinVar aggregate classification (germline): Pathogenic. Review status: criteria provided, multiple submitters, no conflicts (2 of 4 stars). 2 submissions from 2 submitters: Pathogenic (2). Last evaluated 2025-03-05.
ClinVar aggregate classification (somatic clinical impact): Tier I - Strong (1 of 4 stars; one submission).

Conditions:
Neurofibromatosis, type 1 (NF1). Also called: Peripheral type neurofibromatosis; Neurofibromatosis, type I; VON RECKLINGHAUSEN DISEASE; NEUROFIBROMATOSIS, TYPE I, SOMATIC. Identifiers: Orphanet 636, MedGen C0027831, MONDO:0018975, OMIM 162200. Disease mechanism: loss of function.
Juvenile myelomonocytic leukemia (JMML). Also called: LEUKEMIA, JUVENILE MYELOMONOCYTIC, SOMATIC. Identifiers: Orphanet 86834, MedGen C0349639, MONDO:0011908, OMIM 607785, HP:0012209.
Port-wine stain with oculocutaneous melanosis. Also called: Phakomatosis pigmentovascularis. Identifiers: Orphanet 2875, MedGen C1274879, MONDO:0017318.

Allele frequency attached by ClinVar (database versions not stated): gnomAD exomes below 0.00001.
gnomAD v4.1: 1 of 1,612,048 alleles (0.000062%); highest among the groups gnomAD compares: Non-Finnish European, 0.000085%; no homozygotes.

Submissions (3):

Labcorp Genetics (formerly Invitae), Labcorp
Classification: Pathogenic for Neurofibromatosis, type 1. Last evaluated: 2025-03-05. Review status: criteria provided, single submitter. Criteria: Invitae Variant Classification Sherloc (09022015). Collection method: clinical testing. Allele origin: germline.
Comment: This sequence change affects an acceptor splice site in intron 33 of the NF1 gene. It is expected to disrupt RNA splicing. Variants that disrupt the donor or acceptor splice site typically lead to a loss of protein function (PMID: 16199547), and loss-of-function variants in NF1 are known to be pathogenic (PMID: 10712197, 23913538). This variant is not present in population databases (gnomAD no frequency). Disruption of this splice site has been observed in individuals with neurofibromatosis type 1 (PMID: 10712197, 10862084, 15060124). ClinVar contains an entry for this variant (Variation ID: 948667). Algorithms developed to predict the effect of sequence changes on RNA splicing suggest that this variant may disrupt the consensus splice site. For these reasons, this variant has been classified as Pathogenic.

Institute for Genomic Medicine (IGM) Clinical Laboratory, Nationwide Children's Hospital
Classification: Tier I - Strong for Port-wine stain with oculocutaneous melanosis. Assertion type: diagnostic. Clinical significance: supports diagnosis. Last evaluated: 2022-12-05. Review status: criteria provided, single submitter. Criteria: AMP/ASCO/CAP Guidelines, 2017. Collection method: clinical testing. Allele origin: somatic. Affected: yes.
Comment: Variant has Tier I (strong) clinical significance as a diagnostic inclusion criterion in phakomatosis pigmentovascularis, based on the following evidence: 1) Documented in one or more cancer databases (e.g., St. Jude Pecan, COSMIC, CIViC, OncoKB). 2) Appears in one or more well-established professional guidelines (e.g., World Health Organization [WHO]; National Comprehensive Cancer Network [NCCN]) as providing diagnostic, prognostic, or therapeutic information. 3) Information in the literature supports potential biologic effect of variant. 4) Diagnostic for a specific tumor type/classification according to professional guidelines (Evidence Level A).

Baylor Genetics
Classification: Pathogenic for Juvenile myelomonocytic leukemia. Last evaluated: 2022-09-10. Review status: criteria provided, single submitter. Criteria: ACMG Guidelines, 2015. Collection method: clinical testing. Allele origin: unknown.

Literature cited by the submitters: PubMed 16199547 (cited by Labcorp Genetics (formerly Invitae), Labcorp); PubMed 10712197 (cited by Labcorp Genetics (formerly Invitae), Labcorp); PubMed 23913538 (cited by Labcorp Genetics (formerly Invitae), Labcorp); PubMed 10862084 (cited by Labcorp Genetics (formerly Invitae), Labcorp); PubMed 15060124 (cited by Labcorp Genetics (formerly Invitae), Labcorp).